The following is an entry in ClinVar:

NM_021267.5(CERS1):c.590G>A (p.Arg197Gln)

Genes: CERS1 (ceramide synthase 1; minus strand), GDF1 (growth differentiation factor 1; minus strand). Cytogenetic location: 19p13.11.
Variant type: single nucleotide variant.
Coding change: c.590G>A on transcript NM_021267.5 (MANE Select); coding-DNA position 590, G replaced by A.
Protein change: p.Arg197Gln; replaces arginine 197 with glutamine.
Molecular consequence: missense variant. On other transcripts: 5 prime UTR variant (2).
Genome position (GRCh38, 1-based): chr19:18,884,087, C>T on the plus strand (G>A on the coding strand, the complement: CERS1 is on the minus strand). VCF-style: chr19-18884087-C-T. GRCh37 (hg19) VCF-style: chr19-18994896-C-T.
Other names: c.296G>A, p.Arg99Gln (NM_001290265.2, NM_001387442.1, NM_001387443.1 and 2 more transcripts); c.590G>A, p.Arg197Gln (NM_001387439.1, NM_001387440.1, NM_198207.3); c.590G>A, p.Arg197His (NM_001387441.1); c.-313G>A (NM_001387438.1); c.-733G>A (NM_001492.6); short protein forms R99Q, R197Q, R197H.
Identifiers: ClinVar variation 1410457 (VCV001410457.6), dbSNP rs758556990, ClinGen allele CA9318219.

ClinVar aggregate classification (germline): Uncertain significance (1 of 4 stars; one submission).

Conditions:
Progressive myoclonic epilepsy type 8. Identifiers: Orphanet 424027, MedGen C5190825, MONDO:0014545, OMIM 616230.

Allele frequency attached by ClinVar (database versions not stated): gnomAD exomes below 0.00001; ExAC 0.00001; TOPMed 0.00002.
gnomAD v4.1: 7 of 1,611,542 alleles (0.00043%); highest among the groups gnomAD compares: Non-Finnish European, 0.00042%; no homozygotes.

Submission:

Labcorp Genetics (formerly Invitae), Labcorp
Classification: Uncertain significance for Progressive myoclonic epilepsy type 8. Last evaluated: 2022-03-19. Review status: criteria provided, single submitter. Criteria: Invitae Variant Classification Sherloc (09022015). Collection method: clinical testing. Allele origin: germline.
Comment: In summary, the available evidence is currently insufficient to determine the role of this variant in disease. Therefore, it has been classified as a Variant of Uncertain Significance. Algorithms developed to predict the effect of sequence changes on RNA splicing suggest that this variant may disrupt the consensus splice site. Algorithms developed to predict the effect of missense changes on protein structure and function are either unavailable or do not agree on the potential impact of this missense change (SIFT: "Tolerated"; PolyPhen-2: "Probably Damaging"; Align-GVGD: "Class C0"). This variant has not been reported in the literature in individuals affected with CERS1-related conditions. The frequency data for this variant in the population databases is considered unreliable, as metrics indicate poor data quality at this position in the gnomAD database. This sequence change replaces arginine, which is basic and polar, with glutamine, which is neutral and polar, at codon 197 of the CERS1 protein (p.Arg197Gln).